The following is an entry in ClinVar:

NM_005263.5(GFI1):c.470C>T (p.Pro157Leu)

Gene: GFI1 (growth factor independent 1 transcriptional repressor; minus strand). Cytogenetic location: 1p22.1.
Variant type: single nucleotide variant.
Coding change: c.470C>T on transcript NM_005263.5 (MANE Select); coding-DNA position 470, C replaced by T.
Protein change: p.Pro157Leu; replaces proline 157 with leucine.
Molecular consequence: missense variant.
Genome position (GRCh38, 1-based): chr1:92,480,917, G>A on the plus strand (C>T on the coding strand, the complement: GFI1 is on the minus strand). VCF-style: chr1-92480917-G-A. GRCh37 (hg19) VCF-style: chr1-92946474-G-A.
Other names: c.470C>T, p.Pro157Leu (NM_001127215.3, NM_001127216.3); short protein forms P157L.
Identifiers: ClinVar variation 4029452 (VCV004029452.1).
Genomic context (GRCh38, chr1:92,480,917, plus strand): 5'-GCGCCGCCGGCAGCCCGCTTCGGGCCGTACAGCGCGGCCGGGTGGCCAGGCTCCGGGGCG[G>A]GTTCGCAGAAGAGGCCCAGGCCAGCGCCACGCTCCAGGGCCCCACACGGTCGGTAGCTCT-3'
Protein context (NP_005254.2, residues 147-167): RGAGLGLFCE[Pro157Leu]APEPGHPAAL

ClinVar aggregate classification (germline): Uncertain significance (1 of 4 stars; one submission).

Submission:

Ambry Genetics
Classification: Uncertain significance. Last evaluated: 2025-06-09. Review status: criteria provided, single submitter. Criteria: Ambry Variant Classification Scheme 2023. Collection method: clinical testing. Allele origin: germline.
Comment: The p.P157L variant (also known as c.470C>T), located in coding exon 3 of the GFI1 gene, results from a C to T substitution at nucleotide position 470. The proline at codon 157 is replaced by leucine, an amino acid with similar properties. This amino acid position is conserved. In addition, this alteration is predicted to be tolerated by in silico analysis. Based on the available evidence, the clinical significance of this variant remains unclear.